The following is an entry in ClinVar:

ClinVar aggregate classification (germline): Uncertain significance (1 of 4 stars; one submission).

Allele frequency attached by ClinVar (database versions not stated): gnomAD 0.00004 and 0.00005; gnomAD exomes 0.00004 and 0.00014; TOPMed 0.00008; ExAC 0.00013.
gnomAD v4.1: 71 of 1,614,164 alleles (0.0044%); highest among the groups gnomAD compares: East Asian, 0.14%; no homozygotes.

Submission:

Labcorp Genetics (formerly Invitae), Labcorp
Classification: Uncertain significance. Last evaluated: 2022-10-24. Review status: criteria provided, single submitter. Criteria: Invitae Variant Classification Sherloc (09022015). Collection method: clinical testing. Allele origin: germline.
Comment: This sequence change replaces isoleucine, which is neutral and non-polar, with valine, which is neutral and non-polar, at codon 1077 of the CEP250 protein (p.Ile1077Val). This variant is present in population databases (rs780555640, gnomAD 0.2%). This variant has not been reported in the literature in individuals affected with CEP250-related conditions. ClinVar contains an entry for this variant (Variation ID: 956101). Algorithms developed to predict the effect of missense changes on protein structure and function output the following: SIFT: "Not Available"; PolyPhen-2: "Benign"; Align-GVGD: "Not Available". The valine amino acid residue is found in multiple mammalian species, which suggests that this missense change does not adversely affect protein function. In summary, the available evidence is currently insufficient to determine the role of this variant in disease. Therefore, it has been classified as a Variant of Uncertain Significance.

NM_007186.6(CEP250):c.3229A>G (p.Ile1077Val)

Gene: CEP250 (centrosomal protein 250; plus strand). Cytogenetic location: 20q11.22.
Variant type: single nucleotide variant.
Coding change: c.3229A>G on transcript NM_007186.6 (MANE Select); coding-DNA position 3229, A replaced by G.
Protein change: p.Ile1077Val; replaces isoleucine 1077 with valine.
Molecular consequence: missense variant.
Genome position (GRCh38, 1-based): chr20:35,496,638, A>G. VCF-style: chr20-35496638-A-G. GRCh37 (hg19) VCF-style: chr20-34084467-A-G.
Other names: c.1333A>G, p.Ile445Val (NM_001318219.1); short protein forms I445V, I1077V.
Identifiers: ClinVar variation 956101 (VCV000956101.5), dbSNP rs780555640, ClinGen allele CA9833421.
Genomic context (GRCh38, chr20:35,496,638, plus strand): 5'-CTGACTCTCTCACTGATGGAAAAGGAACAGAGACTCCTTGTTTTACAAGAAGCTGACTCT[A>G]TTCGACAACAAGAGCTGAGTGCCCTGCGCCAGGACATGCAGGAGGCCCAGGGAGAACAGA-3'
Protein context (NP_009117.2, residues 1067-1087): RLLVLQEADS[Ile1077Val]RQQELSALRQ